The following is an entry in ClinVar:

NM_004327.4(BCR):c.3090G>A (p.Ser1030=)

Gene: BCR (BCR activator of RhoGEF and GTPase; plus strand). Cytogenetic location: 22q11.23.
Variant type: single nucleotide variant.
Coding change: c.3090G>A on transcript NM_004327.4 (MANE Select); coding-DNA position 3090, G replaced by A.
Protein change: p.Ser1030=; no amino-acid change (serine 1030 retained).
Molecular consequence: synonymous variant.
Genome position (GRCh38, 1-based): chr22:23,310,341, G>A. VCF-style: chr22-23310341-G-A. GRCh37 (hg19) VCF-style: chr22-23652528-G-A.
Other names: c.2958G>A, p.Ser986= (NM_021574.3).
Identifiers: ClinVar variation 780198 (VCV000780198.4), dbSNP rs766103643, ClinGen allele CA10142867.

ClinVar aggregate classification (germline): Likely benign. Review status: criteria provided, multiple submitters, no conflicts (2 of 4 stars). 2 submissions from 2 submitters: Likely benign (2). Last evaluated 2026-07-01.

Allele frequency attached by ClinVar (database versions not stated): ExAC 0.00002; TOPMed 0.00003; gnomAD exomes 0.00004; gnomAD 0.00009.
gnomAD v4.1: 80 of 1,401,054 alleles (0.0057%); highest among the groups gnomAD compares: East Asian, 0.026%; 3 homozygotes.

Submissions (2):

CeGaT Center for Human Genetics Tuebingen
Classification: Likely benign. Last evaluated: 2026-07-01. Review status: criteria provided, single submitter. Criteria: CeGaT Center For Human Genetics Tuebingen Variant Classification Criteria Version 2. Collection method: clinical testing. Allele origin: germline. Affected: yes. Observed: 1 variant allele.
Comment: BCR: BP4, BP7

Labcorp Genetics (formerly Invitae), Labcorp
Classification: Likely benign. Last evaluated: 2017-06-21. Review status: criteria provided, single submitter. Criteria: Invitae Variant Classification Sherloc (09022015). Collection method: clinical testing. Allele origin: germline.